The following is an entry in ClinVar:

ClinVar aggregate classification (germline): Uncertain significance (1 of 4 stars; one submission).

gnomAD v4.1: 18 of 1,613,748 alleles (0.0011%); highest among the groups gnomAD compares: Non-Finnish European, 0.0015%; no homozygotes.

Submission:

Labcorp Genetics (formerly Invitae), Labcorp
Classification: Uncertain significance. Last evaluated: 2025-04-10. Review status: criteria provided, single submitter. Criteria: Invitae Variant Classification Sherloc (09022015). Collection method: clinical testing. Allele origin: germline.
Comment: This sequence change replaces proline, which is neutral and non-polar, with arginine, which is basic and polar, at codon 1180 of the OBSL1 protein (p.Pro1180Arg). This variant is not present in population databases (gnomAD no frequency). This variant has not been reported in the literature in individuals affected with OBSL1-related conditions. An algorithm developed to predict the effect of missense changes on protein structure and function (PolyPhen-2) suggests that this variant is likely to be disruptive. In summary, the available evidence is currently insufficient to determine the role of this variant in disease. Therefore, it has been classified as a Variant of Uncertain Significance.

NM_015311.3(OBSL1):c.3539C>G (p.Pro1180Arg)

Gene: OBSL1 (obscurin like cytoskeletal adaptor 1; minus strand). Cytogenetic location: 2q35.
Variant type: single nucleotide variant.
Coding change: c.3539C>G on transcript NM_015311.3 (MANE Select); coding-DNA position 3539, C replaced by G.
Protein change: p.Pro1180Arg; replaces proline 1180 with arginine.
Molecular consequence: missense variant.
Genome position (GRCh38, 1-based): chr2:219,558,074, G>C on the plus strand (C>G on the coding strand, the complement: OBSL1 is on the minus strand). VCF-style: chr2-219558074-G-C. GRCh37 (hg19) VCF-style: chr2-220422796-G-C.
Other names: c.3539C>G, p.Pro1180Arg (NM_001173431.2); short protein forms P1180R.
Identifiers: ClinVar variation 4807986 (VCV004807986.1).
Genomic context (GRCh38, chr2:219,558,074, plus strand): 5'-GCCCGGGACAGTTCACAGCTCAGCACCACTGGCTCCCCAGGGGCCACACAGAGCGGGCTT[G>C]GAGTTGTCTCTAGAGCAAGGAACTGCACTGGAGGCTCTGGAGAAGAGAGGAAGGTGTCAT-3'
Protein context (NP_056126.1, residues 1170-1190): PVQFLALETT[Pro1180Arg]SPLCVAPGEP